The following is an entry in ClinVar:

ClinVar aggregate classification (germline): Benign/Likely benign. Review status: criteria provided, multiple submitters, no conflicts (2 of 4 stars). 2 submissions from 2 submitters: Benign (1); Likely benign (1). Last evaluated 2024-09-03.

Conditions:
Familial cancer of breast. Also called: BREAST CANCER, FAMILIAL; Hereditary breast cancer; hereditary breast carcinoma. Identifiers: Orphanet 227535, MedGen C0346153, MONDO:0016419, OMIM 114480. Disease mechanism: loss of function.
Hereditary cancer-predisposing syndrome. Also called: Neoplastic Syndromes, Hereditary; Tumor predisposition; Hereditary Cancer Syndrome; Hereditary neoplastic syndrome. Identifiers: Orphanet 140162, MedGen C0027672, MeSH D009386, MONDO:0015356.

Submissions (2):

Myriad Genetics, Inc.
Classification: Benign for Familial cancer of breast. Last evaluated: 2024-09-03. Review status: criteria provided, single submitter. Criteria: Myriad Autosomal Dominant, Autosomal Recessive and X-Linked Classification Criteria (2023). Collection method: clinical testing. Allele origin: unknown.
Comment: This variant is considered benign. This variant is a silent/synonymous amino acid change and it is not expected to impact splicing.

Ambry Genetics
Classification: Likely benign for Hereditary cancer-predisposing syndrome. Last evaluated: 2016-12-22. Review status: criteria provided, single submitter. Criteria: Ambry Variant Classification Scheme 2023. Collection method: clinical testing. Allele origin: germline.

NM_032043.3(BRIP1):c.2061G>A (p.Val687=)

Gene: BRIP1 (BRCA1 interacting DNA helicase 1; minus strand). Cytogenetic location: 17q23.2.
Variant type: single nucleotide variant.
Coding change: c.2061G>A on transcript NM_032043.3 (MANE Select); coding-DNA position 2061, G replaced by A.
Protein change: p.Val687=; no amino-acid change (valine 687 retained).
Molecular consequence: synonymous variant.
Genome position (GRCh38, 1-based): chr17:61,776,437, C>T on the plus strand (G>A on the coding strand, the complement: BRIP1 is on the minus strand). VCF-style: chr17-61776437-C-T. GRCh37 (hg19) VCF-style: chr17-59853798-C-T.
Identifiers: ClinVar variation 485460 (VCV000485460.6), dbSNP rs112414873, ClinGen allele CA501150139.